The following is an entry in ClinVar:

NM_020987.5(ANK3):c.10463A>G (p.Glu3488Gly)

Gene: ANK3 (ankyrin 3; minus strand). Cytogenetic location: 10q21.2.
Variant type: single nucleotide variant.
Coding change: c.10463A>G on transcript NM_020987.5 (MANE Select); coding-DNA position 10463, A replaced by G.
Protein change: p.Glu3488Gly; replaces glutamic acid 3488 with glycine.
Molecular consequence: missense variant. On other transcripts: intron variant (4).
Genome position (GRCh38, 1-based): chr10:60,070,418, T>C on the plus strand (A>G on the coding strand, the complement: ANK3 is on the minus strand). VCF-style: chr10-60070418-T-C. GRCh37 (hg19) VCF-style: chr10-61830176-T-C.
Other names: c.4388-2409A>G (NM_001204403.2); c.4409-2409A>G (NM_001204404.2); c.4406-2409A>G (NM_001320874.2); c.1808-2409A>G (NM_001149.4); c.10463A>G (NM_020987.3); short protein forms E3488G.
Identifiers: ClinVar variation 2050544 (VCV002050544.5), dbSNP rs747894899, ClinGen allele CA5511239.
Genomic context (GRCh38, chr10:60,070,418, plus strand): 5'-CTGCCTTCCAGTGTGAAGAACTGGGCCCCTGACTTCTGATCAGTCTTATCAGGAGTCTTT[T>C]CAGATGAAGAACTTTTAGAAGGTGGCTTGTCCTCATCTGGTCCCACCTTTCCCTCCTCCT-3'
Protein context (NP_066267.2, residues 3478-3498): DKPPSKSSSS[Glu3488Gly]KTPDKTDQKS

ClinVar aggregate classification (germline): Uncertain significance. Review status: criteria provided, multiple submitters, no conflicts (2 of 4 stars). 2 submissions from 2 submitters: Uncertain significance (2). Last evaluated 2025-03-12.

Conditions:
Inborn genetic diseases. Identifiers: MedGen C0950123, MeSH D030342.

Allele frequency attached by ClinVar (database versions not stated): TOPMed below 0.00001; gnomAD 0.00001; gnomAD exomes 0.00001; ExAC 0.00002.
gnomAD v4.1: 14 of 1,614,000 alleles (0.00087%); highest among the groups gnomAD compares: Admixed American, 0.0017%; no homozygotes.

Submissions (2):

Labcorp Genetics (formerly Invitae), Labcorp
Classification: Uncertain significance. Last evaluated: 2025-03-12. Review status: criteria provided, single submitter. Criteria: Invitae Variant Classification Sherloc (09022015). Collection method: clinical testing. Allele origin: germline.
Comment: This sequence change replaces glutamic acid, which is acidic and polar, with glycine, which is neutral and non-polar, at codon 3488 of the ANK3 protein (p.Glu3488Gly). This variant is present in population databases (rs747894899, gnomAD 0.003%). This variant has not been reported in the literature in individuals affected with ANK3-related conditions. ClinVar contains an entry for this variant (Variation ID: 2050544). Invitae Evidence Modeling of protein sequence and biophysical properties (such as structural, functional, and spatial information, amino acid conservation, physicochemical variation, residue mobility, and thermodynamic stability) indicates that this missense variant is not expected to disrupt ANK3 protein function with a negative predictive value of 80%. In summary, the available evidence is currently insufficient to determine the role of this variant in disease. Therefore, it has been classified as a Variant of Uncertain Significance.

Ambry Genetics
Classification: Uncertain significance for Inborn genetic diseases. Last evaluated: 2024-10-23. Review status: criteria provided, single submitter. Criteria: Ambry Variant Classification Scheme 2023. Collection method: clinical testing. Allele origin: germline.